The following is an entry in ClinVar:

ClinVar aggregate classification (germline): Uncertain significance. Review status: criteria provided, multiple submitters, no conflicts (2 of 4 stars). 4 submissions from 4 submitters: Uncertain significance (4). Last evaluated 2026-01-26.

Conditions:
Inborn genetic diseases. Identifiers: MedGen C0950123, MeSH D030342.
H syndrome. Also called: Pigmented hypertrichosis and insulin-dependent diabetes mellitus; FAISALABAD HISTIOCYTOSIS; Histiocytosis with joint contractures and sensorineural deafness; HISTIOCYTOSIS AND LYMPHADENOPATHY WITH OR WITHOUT CUTANEOUS, CARDIAC, AND/OR ENDOCRINE FEATURES, JOINT CONTRACTURES, AND/OR DEAFNESS; HYPERPIGMENTATION, CUTANEOUS, WITH HYPERTRICHOSIS, HEPATOSPLENOMEGALY, HEART ANOMALIES, AND HYPOGONADISM WITH OR WITHOUT HEARING LOSS; PIGMENTED HYPERTRICHOSIS WITH INSULIN-DEPENDENT DIABETES MELLITUS. Identifiers: Orphanet 168569, MedGen C1864445, MONDO:0011273, OMIM 602782.

Allele frequency attached by ClinVar (database versions not stated): TOPMed 0.00008; ExAC 0.00010; gnomAD 0.00011; gnomAD exomes 0.00013 and 0.00020; ESP Exome Variant Server 0.00015.
gnomAD v4.1: 312 of 1,614,072 alleles (0.019%); highest among the groups gnomAD compares: Non-Finnish European, 0.023%; no homozygotes.

Submissions (4):

Labcorp Genetics (formerly Invitae), Labcorp
Classification: Uncertain significance for H syndrome. Last evaluated: 2026-01-26. Review status: criteria provided, single submitter. Criteria: Invitae Variant Classification Sherloc (09022015). Collection method: clinical testing. Allele origin: germline.
Comment: This sequence change replaces serine, which is neutral and polar, with asparagine, which is neutral and polar, at codon 23 of the SLC29A3 protein (p.Ser23Asn). This variant is present in population databases (rs146423891, gnomAD 0.05%). This variant has not been reported in the literature in individuals affected with SLC29A3-related conditions. ClinVar contains an entry for this variant (Variation ID: 571603). Invitae Evidence Modeling of protein sequence and biophysical properties (such as structural, functional, and spatial information, amino acid conservation, physicochemical variation, residue mobility, and thermodynamic stability) indicates that this missense variant is not expected to disrupt SLC29A3 protein function with a negative predictive value of 95%. In summary, the available evidence is currently insufficient to determine the role of this variant in disease. Therefore, it has been classified as a Variant of Uncertain Significance.

Ambry Genetics
Classification: Uncertain significance for Inborn genetic diseases. Last evaluated: 2024-11-15. Review status: criteria provided, single submitter. Criteria: Ambry Variant Classification Scheme 2023. Collection method: clinical testing. Allele origin: germline.

Blueprint Genetics
Classification: Uncertain significance. Last evaluated: 2024-10-22. Review status: criteria provided, single submitter. Criteria: ACMG Guidelines, 2015. Collection method: clinical testing. Allele origin: germline.

Illumina Laboratory Services, Illumina
Classification: Uncertain significance for H syndrome. Last evaluated: 2018-01-12. Review status: criteria provided, single submitter. Criteria: ICSL Variant Classification Criteria 13 December 2019. Collection method: clinical testing. Allele origin: germline.

NM_018344.6(SLC29A3):c.68G>A (p.Ser23Asn)

Gene: SLC29A3 (solute carrier family 29 member 3; plus strand). Cytogenetic location: 10q22.1.
Variant type: single nucleotide variant.
Coding change: c.68G>A on transcript NM_018344.6 (MANE Select); coding-DNA position 68, G replaced by A.
Protein change: p.Ser23Asn; replaces serine 23 with asparagine.
Molecular consequence: missense variant. On other transcripts: 5 prime UTR variant (1), non-coding transcript variant (2).
Genome position (GRCh38, 1-based): chr10:71,322,822, G>A. VCF-style: chr10-71322822-G-A. GRCh37 (hg19) VCF-style: chr10-73082579-G-A.
Other names: c.68G>A, p.Ser23Asn (NM_001174098.2); c.-167G>A (NM_001363518.2); short protein forms S23N.
Identifiers: ClinVar variation 571603 (VCV000571603.13), dbSNP rs146423891, ClinGen allele CA5542809.